The following is an entry in ClinVar:

ClinVar aggregate classification (germline): Uncertain significance. Review status: criteria provided, multiple submitters, no conflicts (2 of 4 stars). 2 submissions from 2 submitters: Uncertain significance (2). Last evaluated 2025-09-16.

Conditions:
POLD1-related polyposis and colorectal cancer syndrome (CRCS10). Also called: Colorectal cancer 10; COLORECTAL CANCER, SUSCEPTIBILITY TO, ON CHROMOSOME 19q; Colorectal cancer, susceptibility to, 10. Identifiers: Orphanet 220460, MedGen C2675481, MONDO:0012953, OMIM 612591.
Hereditary cancer-predisposing syndrome. Also called: Neoplastic Syndromes, Hereditary; Tumor predisposition; Hereditary Cancer Syndrome; Hereditary neoplastic syndrome. Identifiers: Orphanet 140162, MedGen C0027672, MeSH D009386, MONDO:0015356.

Submissions (2):

Ambry Genetics
Classification: Uncertain significance for Hereditary cancer-predisposing syndrome. Last evaluated: 2025-09-16. Review status: criteria provided, single submitter. Criteria: Ambry Variant Classification Scheme 2023. Collection method: clinical testing. Allele origin: germline.
Comment: The c.1208_1242+40del75 variant results from a deletion of 75 nucleotides between positions c.1208 and c.1242+40 and involves the canonical splice donor site after coding exon 9 of the POLD1 gene. The canonical splice donor site is highly conserved in available vertebrate species. In silico splice site analysis predicts that this alteration will weaken the native splice donor site. Alterations that disrupt the canonical splice site are expected to cause aberrant splicing, resulting in an abnormal protein or a transcript that is subject to nonsense-mediated mRNA decay. However, loss of function has not been established as a mechanism of disease. Based on the available evidence, the clinical significance of this variant remains unclear.

Labcorp Genetics (formerly Invitae), Labcorp
Classification: Uncertain significance for POLD1-related polyposis and colorectal cancer syndrome. Last evaluated: 2022-06-20. Review status: criteria provided, single submitter. Criteria: Invitae Variant Classification Sherloc (09022015). Collection method: clinical testing. Allele origin: germline.
Comment: In summary, the available evidence is currently insufficient to determine the role of this variant in disease. Therefore, it has been classified as a Variant of Uncertain Significance. Algorithms developed to predict the effect of sequence changes on RNA splicing suggest that this variant may disrupt the consensus splice site. This variant has not been reported in the literature in individuals affected with POLD1-related conditions. This variant is not present in population databases (gnomAD no frequency). This variant results in the deletion of part of exon 10 (c.1208_1242+40del) of the POLD1 gene. Missense variants that disrupt the 3'-5' exonuclease (proof-reading) activity of the POLD1 protein are associated with an increased risk for colonic adenomatous polyps and colon cancer (PMID: 23263490, 23447401). However, loss-of-function variants that result in an absent or severely disrupted POLD1 protein, and missense variants outside the exonuclease domain, are unlikely to be associated with polyposis or colon cancer.

Literature cited by the submitters: PubMed 23263490 (cited by Labcorp Genetics (formerly Invitae), Labcorp); PubMed 23447401 (cited by Labcorp Genetics (formerly Invitae), Labcorp).

NM_002691.4(POLD1):c.1208_1242+40del

Gene: POLD1 (DNA polymerase delta 1, catalytic subunit; plus strand). Cytogenetic location: 19q13.33.
Variant type: Deletion.
Coding change: c.1208_1242+40del on transcript NM_002691.4 (MANE Select); coding-DNA position 1208 through 40 bases into the intron after coding-DNA position 1242, 75 bases deleted.
Molecular consequence: splice donor variant.
Genome position (GRCh38, 1-based): chr19:50,403,563-50,403,637, 75 bases deleted. GRCh37 (hg19): chr19:50,906,820-50,906,894.
Other names: c.1208_1242+40del75 (NM_002691.2); c.1208_1242+40del (NM_001256849.1, NM_001308632.1).
Identifiers: ClinVar variation 1429916 (VCV001429916.9), dbSNP rs2122278868, ClinGen allele CA2573156578.